The following is an entry in ClinVar:

NM_000069.3(CACNA1S):c.5545C>A (p.Leu1849Met)

Gene: CACNA1S (calcium voltage-gated channel subunit alpha1 S; minus strand). Cytogenetic location: 1q32.1.
Variant type: single nucleotide variant.
Coding change: c.5545C>A on transcript NM_000069.3 (MANE Select); coding-DNA position 5545, C replaced by A.
Protein change: p.Leu1849Met; replaces leucine 1849 with methionine.
Molecular consequence: missense variant.
Genome position (GRCh38, 1-based): chr1:201,039,908, G>T on the plus strand (C>A on the coding strand, the complement: CACNA1S is on the minus strand). VCF-style: chr1-201039908-G-T. GRCh37 (hg19) VCF-style: chr1-201009036-G-T.
Other names: short protein forms L1849M.
Identifiers: ClinVar variation 3393854 (VCV003393854.1).
Genomic context (GRCh38, chr1:201,039,908, plus strand): 5'-TAAGGGTCTCCTGGGAGCCCTGGTGTTGGTCGAGGCTGCCCAGGGAGGACCCGAGGTTCA[G>T]GCATCCCAGGGAGCTGGCCATGCCCTCTGGGGCCTCTCGTCCTTTCAGTAGCTCTGTTGC-3'
Protein context (NP_000060.2, residues 1839-1859): PEGMASSLGC[Leu1849Met]NLGSSLGSLD

ClinVar aggregate classification (germline): Uncertain significance (1 of 4 stars; one submission).

Submission:

GeneDx
Classification: Uncertain significance. Last evaluated: 2024-07-02. Review status: criteria provided, single submitter. Criteria: GeneDx Variant Classification Process June 2021. Collection method: clinical testing. Allele origin: germline. Affected: yes.
Comment: Not observed at significant frequency in large population cohorts (gnomAD); In silico analysis indicates that this missense variant does not alter protein structure/function; Has not been previously published as pathogenic or benign to our knowledge